The following is an entry in ClinVar:

ClinVar aggregate classification (germline): Uncertain significance (1 of 4 stars; one submission).

Conditions:
Neutrophil immunodeficiency syndrome. Also called: Immunodeficiency 73A with defective neutrophil chemotaxis and leukocytosis. Identifiers: Orphanet 183707, MedGen C1842398, MONDO:0011988, OMIM 608203.

Submission:

Labcorp Genetics (formerly Invitae), Labcorp
Classification: Uncertain significance for Neutrophil immunodeficiency syndrome. Last evaluated: 2024-02-29. Review status: criteria provided, single submitter. Criteria: Invitae Variant Classification Sherloc (09022015). Collection method: clinical testing. Allele origin: germline.
Comment: This sequence change replaces glutamic acid, which is acidic and polar, with aspartic acid, which is acidic and polar, at codon 31 of the RAC2 protein (p.Glu31Asp). This variant is not present in population databases (gnomAD no frequency). This variant has not been reported in the literature in individuals affected with RAC2-related conditions. Advanced modeling of protein sequence and biophysical properties (such as structural, functional, and spatial information, amino acid conservation, physicochemical variation, residue mobility, and thermodynamic stability) performed at Invitae indicates that this missense variant is not expected to disrupt RAC2 protein function with a negative predictive value of 95%. In summary, the available evidence is currently insufficient to determine the role of this variant in disease. Therefore, it has been classified as a Variant of Uncertain Significance.

NM_002872.5(RAC2):c.93G>T (p.Glu31Asp)

Gene: RAC2 (Rac family small GTPase 2; minus strand). Cytogenetic location: 22q13.1.
Variant type: single nucleotide variant.
Coding change: c.93G>T on transcript NM_002872.5 (MANE Select); coding-DNA position 93, G replaced by T.
Protein change: p.Glu31Asp; replaces glutamic acid 31 with aspartic acid.
Molecular consequence: missense variant.
Genome position (GRCh38, 1-based): chr22:37,241,601, C>A on the plus strand (G>T on the coding strand, the complement: RAC2 is on the minus strand). VCF-style: chr22-37241601-C-A. GRCh37 (hg19) VCF-style: chr22-37637641-C-A.
Other names: short protein forms E31D.
Identifiers: ClinVar variation 3637787 (VCV003637787.2).